The following is an entry in ClinVar:

NM_001374259.2(IL12RB2):c.1510G>A (p.Gly504Arg)

Gene: IL12RB2 (interleukin 12 receptor subunit beta 2; plus strand). Cytogenetic location: 1p31.3.
Variant type: single nucleotide variant.
Coding change: c.1510G>A on transcript NM_001374259.2 (MANE Select); coding-DNA position 1510, G replaced by A.
Protein change: p.Gly504Arg; replaces glycine 504 with arginine.
Molecular consequence: missense variant. On other transcripts: non-coding transcript variant (2), intron variant (1).
Genome position (GRCh38, 1-based): chr1:67,372,486, G>A. VCF-style: chr1-67372486-G-A. GRCh37 (hg19) VCF-style: chr1-67838169-G-A.
Other names: c.1510G>A, p.Gly504Arg (NM_001258214.1, NM_001258216.1, NM_001319233.1 and 1 more transcripts); c.1459+4461G>A (NM_001258215.1); short protein forms G504R.
Identifiers: ClinVar variation 1488899 (VCV001488899.8), dbSNP rs2101015398, ClinGen allele CA340729167.

ClinVar aggregate classification (germline): Uncertain significance (1 of 4 stars; one submission).

Submission:

Labcorp Genetics (formerly Invitae), Labcorp
Classification: Uncertain significance. Last evaluated: 2022-07-06. Review status: criteria provided, single submitter. Criteria: Invitae Variant Classification Sherloc (09022015). Collection method: clinical testing. Allele origin: germline.
Comment: This sequence change replaces glycine, which is neutral and non-polar, with arginine, which is basic and polar, at codon 504 of the IL12RB2 protein (p.Gly504Arg). This variant is not present in population databases (gnomAD no frequency). This variant has not been reported in the literature in individuals affected with IL12RB2-related conditions. ClinVar contains an entry for this variant (Variation ID: 1488899). Algorithms developed to predict the effect of missense changes on protein structure and function output the following: SIFT: "Tolerated"; PolyPhen-2: "Benign"; Align-GVGD: "Class C0". The arginine amino acid residue is found in multiple mammalian species, which suggests that this missense change does not adversely affect protein function. Algorithms developed to predict the effect of sequence changes on RNA splicing suggest that this variant may create or strengthen a splice site. In summary, the available evidence is currently insufficient to determine the role of this variant in disease. Therefore, it has been classified as a Variant of Uncertain Significance.